The following is an entry in ClinVar:

ClinVar aggregate classification (germline): Uncertain significance. Review status: criteria provided, multiple submitters, no conflicts (2 of 4 stars). 3 submissions from 3 submitters: Uncertain significance (2). 1 of the submissions does not count toward it. Last evaluated 2023-05-31.

Conditions:
Inborn genetic diseases. Identifiers: MedGen C0950123, MeSH D030342.
Ehlers-Danlos syndrome, dermatosparaxis type. Also called: Dermatosparaxis; EDS VIIC; Ehlers-Danlos syndrome, type VII, autosomal recessive. Identifiers: Orphanet 1901, MedGen C2700425, MONDO:0009161, OMIM 225410.

Allele frequency attached by ClinVar (database versions not stated): gnomAD 0.00003; gnomAD exomes 0.00003 and 0.00009; TOPMed 0.00003; ExAC 0.00006.
gnomAD v4.1: 46 of 1,550,098 alleles (0.003%); highest among the groups gnomAD compares: East Asian, 0.032%; no homozygotes.

Submissions (3):

Ambry Genetics
Classification: Uncertain significance for Inborn genetic diseases. Last evaluated: 2023-05-31. Review status: criteria provided, single submitter. Criteria: Ambry Variant Classification Scheme 2023. Collection method: clinical testing. Allele origin: germline.

Labcorp Genetics (formerly Invitae), Labcorp
Classification: Uncertain significance for Ehlers-Danlos syndrome, dermatosparaxis type. Last evaluated: 2021-09-01. Review status: criteria provided, single submitter. Criteria: Invitae Variant Classification Sherloc (09022015). Collection method: clinical testing. Allele origin: germline.
Comment: This sequence change replaces serine with leucine at codon 601 of the ADAMTS2 protein (p.Ser601Leu). The serine residue is moderately conserved and there is a large physicochemical difference between serine and leucine. This variant is present in population databases (rs778186590, ExAC 0.2%). This variant has not been reported in the literature in individuals affected with ADAMTS2-related conditions. Algorithms developed to predict the effect of missense changes on protein structure and function (SIFT, PolyPhen-2, Align-GVGD) all suggest that this variant is likely to be tolerated. In summary, the available evidence is currently insufficient to determine the role of this variant in disease. Therefore, it has been classified as a Variant of Uncertain Significance.

Natera, Inc.
Classification: Uncertain significance for Ehlers-Danlos syndrome type VIIC. Last evaluated: 2020-07-14. Review status: no assertion criteria provided. Collection method: clinical testing. Allele origin: germline. Not counted in ClinVar's aggregate classification.

NM_014244.5(ADAMTS2):c.1802C>T (p.Ser601Leu)

Gene: ADAMTS2 (ADAM metallopeptidase with thrombospondin type 1 motif 2; minus strand). Cytogenetic location: 5q35.3.
Variant type: single nucleotide variant.
Coding change: c.1802C>T on transcript NM_014244.5 (MANE Select); coding-DNA position 1802, C replaced by T.
Protein change: p.Ser601Leu; replaces serine 601 with leucine.
Molecular consequence: missense variant.
Genome position (GRCh38, 1-based): chr5:179,137,918, G>A on the plus strand (C>T on the coding strand, the complement: ADAMTS2 is on the minus strand). VCF-style: chr5-179137918-G-A. GRCh37 (hg19) VCF-style: chr5-178564919-G-A.
Other names: short protein forms S601L.
Identifiers: ClinVar variation 967995 (VCV000967995.8), dbSNP rs778186590, ClinGen allele CA3595773.